The following is an entry in ClinVar:

ClinVar aggregate classification (germline): Pathogenic (1 of 4 stars; one submission).

Conditions:
Fabry disease. Also called: ALPHA-GALACTOSIDASE A DEFICIENCY; ANDERSON-FABRY DISEASE; CERAMIDE TRIHEXOSIDASE DEFICIENCY; GLA DEFICIENCY; HEREDITARY DYSTOPIC LIPIDOSIS; Angiokeratoma corporis diffusum. Identifiers: Orphanet 324, MedGen C0002986, MONDO:0010526, OMIM 301500, HP:0001071. Disease mechanism: Fabry disease is due to inactivating mutations in the X-linked GLA gene resulting in deficiency of the enzyme Alpha Galactosidase-A., loss of function.

Submission:

Genomenon, Inc
Classification: Pathogenic for Fabry disease. Last evaluated: 2026-09-08. Review status: criteria provided, single submitter. Criteria: Genomenon Sequence Variant Interpretation Standards - Updated. Collection method: curation. Allele origin: germline. Affected: yes.
Comment: GLA p.Val339AlafsTer32 (c.1016_1026del) is a frameshift variant that is predicted to introduce a premature termination codon and result in a truncated or absent protein product. This variant has been observed in at least one proband with clinical features consistent with Fabry disease (PMID:32127409). Functional or patient cell studies have been reported (PMID:32127409). It is absent or not present at a significant frequency in gnomAD. In conclusion, we classify GLA p.Val339AlafsTer32 (c.1016_1026del) as a pathogenic variant.

Literature cited by the submitters: PubMed 32127409.

NM_000169.3(GLA):c.1016_1026del (p.Val339fs)

Genes: GLA (galactosidase alpha; minus strand), RPL36A-HNRNPH2 (RPL36A-HNRNPH2 readthrough; plus strand). Cytogenetic location: Xq22.1.
Variant type: Deletion.
Coding change: c.1016_1026del on transcript NM_000169.3 (MANE Select); coding-DNA positions 1016 to 1026, 11 bases deleted (TGTGGGAACGA).
Protein change: p.Val339fs; shifts the reading frame from valine 339.
Molecular consequence: frameshift variant. On other transcripts: non-coding transcript variant (3), intron variant (2).
Genome position (GRCh38, 1-based): chrX:101,398,073-101,398,083, TCGTTCCCACA deleted on the plus strand (TGTGGGAACGA on the coding strand, the reverse complement: GLA is on the minus strand). VCF-style (leftmost placement, unchanged base first): chrX-101398072-GTCGTTCCCACA-G. GRCh37 (hg19) VCF-style: chrX-100653060-GTCGTTCCCACA-G.
Other names: c.1139_1149del, p.Val380fs (NM_001406747.1); c.300+2616_300+2626del (NM_001199973.2); c.177+6251_177+6261del (NM_001199974.2); short protein forms V339fs, V380fs.
Identifiers: ClinVar variation 4087037 (VCV004087037.2).